The following is an entry in ClinVar:

ClinVar aggregate classification (germline): Likely pathogenic (1 of 4 stars; one submission).

Submission:

Centre of Medical Genetics, University Hospital Muenster
Classification: Likely pathogenic. Last evaluated: 2022-10-20. Review status: criteria provided, single submitter. Criteria: ACMG Guidelines, 2015. Collection method: clinical testing. Allele origin: unknown. Affected: yes. Observed: 1 variant allele, 1 heterozygote.
Comment: ACMG categories: PVS1,PM2

NM_017617.5(NOTCH1):c.1581C>A (p.Tyr527Ter)

Gene: NOTCH1 (notch receptor 1; minus strand). Cytogenetic location: 9q34.3.
Variant type: single nucleotide variant.
Coding change: c.1581C>A on transcript NM_017617.5 (MANE Select); coding-DNA position 1581, C replaced by A.
Protein change: p.Tyr527Ter; replaces tyrosine 527 with a stop codon.
Molecular consequence: nonsense.
Genome position (GRCh38, 1-based): chr9:136,516,069, G>T on the plus strand (C>A on the coding strand, the complement: NOTCH1 is on the minus strand). VCF-style: chr9-136516069-G-T. GRCh37 (hg19) VCF-style: chr9-139410521-G-T.
Other names: short protein forms Y527*.
Identifiers: ClinVar variation 3383424 (VCV003383424.2).